The following is an entry in ClinVar:

NM_000548.5(TSC2):c.290C>T (p.Ala97Val)

Gene: TSC2 (TSC complex subunit 2; plus strand). Cytogenetic location: 16p13.3.
Variant type: single nucleotide variant.
Coding change: c.290C>T on transcript NM_000548.5 (MANE Select); coding-DNA position 290, C replaced by T.
Protein change: p.Ala97Val; replaces alanine 97 with valine.
Molecular consequence: missense variant. On other transcripts: 5 prime UTR variant (14), non-coding transcript variant (5), intron variant (9).
Genome position (GRCh38, 1-based): chr16:2,053,406, C>T. VCF-style: chr16-2053406-C-T. GRCh37 (hg19) VCF-style: chr16-2103407-C-T.
Other names: c.290C>T, p.Ala97Val (NM_001077183.3, NM_001114382.3, NM_001363528.2 and 10 more transcripts); c.143C>T, p.Ala48Val (NM_001318829.2, NM_001406675.1, NM_001406676.1 and 2 more transcripts); c.323C>T, p.Ala108Val (NM_001318832.2); c.-527C>T (NM_001406680.1, NM_001406683.1, NM_001406687.1); c.-156C>T (NM_001406681.1); c.-1142C>T (NM_001406689.1, NM_001406690.1, NM_001406691.1 and 2 more transcripts); c.-1448C>T (NM_001406693.1); c.-1023C>T (NM_001406694.1, NM_001406695.1); and 4 more; short protein forms A48V, A108V, A97V.
Identifiers: ClinVar variation 3713139 (VCV003713139.2).
Genomic context (GRCh38, chr16:2,053,406, plus strand): 5'-CAGTGGAAGCACTCTGGAAGGCGGTCGCGGATCTGTTGCAGCCGGAGCGGCCGCTGGAGG[C>T]CCGGCACGCGGTGCTGGCTCTGCTGAAGGCCATCGTGCAGGGGCAGGTAAGGCCCAGGGC-3'
Protein context (NP_000539.2, residues 87-107): DLLQPERPLE[Ala97Val]RHAVLALLKA

ClinVar aggregate classification (germline): Uncertain significance (1 of 4 stars; one submission).

Conditions:
Tuberous sclerosis 2 (TSC2). Identifiers: Orphanet 805, MedGen C1860707, MONDO:0013199, OMIM 613254.

gnomAD v4.1: 1 of 1,589,366 alleles (0.000063%); no homozygotes.

Submission:

Labcorp Genetics (formerly Invitae), Labcorp
Classification: Uncertain significance for Tuberous sclerosis 2. Last evaluated: 2024-03-14. Review status: criteria provided, single submitter. Criteria: Invitae Variant Classification Sherloc (09022015). Collection method: clinical testing. Allele origin: germline.
Comment: This sequence change replaces alanine, which is neutral and non-polar, with valine, which is neutral and non-polar, at codon 97 of the TSC2 protein (p.Ala97Val). This variant is not present in population databases (gnomAD no frequency). This variant has not been reported in the literature in individuals affected with TSC2-related conditions. Advanced modeling of protein sequence and biophysical properties (such as structural, functional, and spatial information, amino acid conservation, physicochemical variation, residue mobility, and thermodynamic stability) performed at Invitae indicates that this missense variant is not expected to disrupt TSC2 protein function with a negative predictive value of 95%. In summary, the available evidence is currently insufficient to determine the role of this variant in disease. Therefore, it has been classified as a Variant of Uncertain Significance.